The following is an entry in ClinVar:

NM_007078.3(LDB3):c.149T>C (p.Val50Ala)

Gene: LDB3 (LIM domain binding 3; plus strand). Cytogenetic location: 10q23.2.
Variant type: single nucleotide variant.
Coding change: c.149T>C on transcript NM_007078.3 (MANE Select); coding-DNA position 149, T replaced by C.
Protein change: p.Val50Ala; replaces valine 50 with alanine.
Molecular consequence: missense variant.
Genome position (GRCh38, 1-based): chr10:86,679,422, T>C. VCF-style: chr10-86679422-T-C. GRCh37 (hg19) VCF-style: chr10-88439179-T-C.
Other names: c.149T>C, p.Val50Ala (NM_001080114.2, NM_001080115.2, NM_001080116.1 and 8 more transcripts); short protein forms V50A.
Identifiers: ClinVar variation 1008827 (VCV001008827.9), dbSNP rs1844986603, ClinGen allele CA377451229.

ClinVar aggregate classification (germline): Uncertain significance (1 of 4 stars; one submission).

Conditions:
Myofibrillar myopathy 4. Also called: Zaspopathy (type). Identifiers: Orphanet 98912, MedGen C4721886, MONDO:0012277, OMIM 609452.

Submission:

Labcorp Genetics (formerly Invitae), Labcorp
Classification: Uncertain significance for Myofibrillar myopathy 4. Last evaluated: 2022-03-18. Review status: criteria provided, single submitter. Criteria: Invitae Variant Classification Sherloc (09022015). Collection method: clinical testing. Allele origin: germline.
Comment: ClinVar contains an entry for this variant (Variation ID: 1008827). Algorithms developed to predict the effect of missense changes on protein structure and function are either unavailable or do not agree on the potential impact of this missense change (SIFT: "Tolerated"; PolyPhen-2: "Possibly Damaging"; Align-GVGD: "Class C0"). In summary, the available evidence is currently insufficient to determine the role of this variant in disease. Therefore, it has been classified as a Variant of Uncertain Significance. This variant has not been reported in the literature in individuals affected with LDB3-related conditions. This variant is not present in population databases (gnomAD no frequency). This sequence change replaces valine, which is neutral and non-polar, with alanine, which is neutral and non-polar, at codon 50 of the LDB3 protein (p.Val50Ala).